The following is an entry in ClinVar:

ClinVar aggregate classification (germline): Uncertain significance. Review status: criteria provided, multiple submitters, no conflicts (2 of 4 stars). 2 submissions from 2 submitters: Uncertain significance (2). Last evaluated 2026-04-06.

Conditions:
Inborn genetic diseases. Identifiers: MedGen C0950123, MeSH D030342.

Allele frequency attached by ClinVar (database versions not stated): gnomAD 0.00002 and 0.00003; TOPMed 0.00004.
gnomAD v4.1: 9 of 1,614,046 alleles (0.00056%); highest among the groups gnomAD compares: African/African-American, 0.0093%; no homozygotes.

Submissions (2):

Ambry Genetics
Classification: Uncertain significance for Inborn genetic diseases. Last evaluated: 2026-04-06. Review status: criteria provided, single submitter. Criteria: Ambry Variant Classification Scheme 2023. Collection method: clinical testing. Allele origin: germline.

Labcorp Genetics (formerly Invitae), Labcorp
Classification: Uncertain significance. Last evaluated: 2022-12-23. Review status: criteria provided, single submitter. Criteria: Invitae Variant Classification Sherloc (09022015). Collection method: clinical testing. Allele origin: germline.
Comment: This variant has not been reported in the literature in individuals affected with RP1-related conditions. This variant is not present in population databases (gnomAD no frequency). This sequence change replaces cysteine, which is neutral and slightly polar, with glycine, which is neutral and non-polar, at codon 1223 of the RP1 protein (p.Cys1223Gly). ClinVar contains an entry for this variant (Variation ID: 1466905). Algorithms developed to predict the effect of missense changes on protein structure and function are either unavailable or do not agree on the potential impact of this missense change (SIFT: "Tolerated"; PolyPhen-2: "Possibly Damaging"; Align-GVGD: "Class C0"). In summary, the available evidence is currently insufficient to determine the role of this variant in disease. Therefore, it has been classified as a Variant of Uncertain Significance.

NM_006269.2(RP1):c.3667T>G (p.Cys1223Gly)

Gene: RP1 (RP1 axonemal microtubule associated; plus strand). Cytogenetic location: 8q12.1.
Variant type: single nucleotide variant.
Coding change: c.3667T>G on transcript NM_006269.2 (MANE Select); coding-DNA position 3667, T replaced by G.
Protein change: p.Cys1223Gly; replaces cysteine 1223 with glycine.
Molecular consequence: missense variant. On other transcripts: intron variant (1).
Genome position (GRCh38, 1-based): chr8:54,627,549, T>G. VCF-style: chr8-54627549-T-G. GRCh37 (hg19) VCF-style: chr8-55540109-T-G.
Other names: c.3667T>G (NM_006269.1); c.787+5261T>G (NM_001375654.1); short protein forms C1223G.
Identifiers: ClinVar variation 1466905 (VCV001466905.11), dbSNP rs1057179569, ClinGen allele CA177237710.
Genomic context (GRCh38, chr8:54,627,549, plus strand): 5'-ATGGTTCCAATAGATCTTTCTGCAAATTGTTCCACGGTCAACATTCAGAGTGTTCCTAAG[T>G]GCAGTGAAAATGAAAGAACACAAGGAATCTCCTCTTTGGATGGAGGTTGCTCTGCCAGTG-3'
Protein context (NP_006260.1, residues 1213-1233): STVNIQSVPK[Cys1223Gly]SENERTQGIS